The following is an entry in ClinVar:

NM_024577.4(SH3TC2):c.2414C>T (p.Ala805Val)

Gene: SH3TC2 (SH3 domain and tetratricopeptide repeats 2; minus strand). Cytogenetic location: 5q32.
Variant type: single nucleotide variant.
Coding change: c.2414C>T on transcript NM_024577.4 (MANE Select); coding-DNA position 2414, C replaced by T.
Protein change: p.Ala805Val; replaces alanine 805 with valine.
Molecular consequence: missense variant.
Genome position (GRCh38, 1-based): chr5:149,027,318, G>A on the plus strand (C>T on the coding strand, the complement: SH3TC2 is on the minus strand). VCF-style: chr5-149027318-G-A. GRCh37 (hg19) VCF-style: chr5-148406881-G-A.
Other names: short protein forms A805V.
Identifiers: ClinVar variation 2186822 (VCV002186822.4), dbSNP rs1428334631, ClinGen allele CA361666414.
Genomic context (GRCh38, chr5:149,027,318, plus strand): 5'-GAGCATAGCAGTGGCTCAAGCACATCCAAAGCCTTCTTGGCCTGGCTGGCTAAGAGATAG[G>A]CCCATGCCAGGCAGAGAGAAGACTCAAAGGATTCCTGCTCACCCAGCAGCTGCCCTAGCA-3'
Protein context (NP_078853.2, residues 795-815): SFESSLCLAW[Ala805Val]YLLASQAKKA

ClinVar aggregate classification (germline): Uncertain significance (1 of 4 stars; one submission).

Conditions:
Charcot-Marie-Tooth disease type 4. Also called: Charcot-Marie-Tooth disease, type IV; Charcot-Marie-Tooth, Type 4. Identifiers: Orphanet 64749, MedGen C4082197, MONDO:0018995.

Allele frequency attached by ClinVar (database versions not stated): gnomAD exomes below 0.00001; TOPMed below 0.00001; gnomAD 0.00001.
gnomAD v4.1: 3 of 1,613,910 alleles (0.00019%); highest among the groups gnomAD compares: Non-Finnish European, 0.00025%; no homozygotes.

Submission:

Labcorp Genetics (formerly Invitae), Labcorp
Classification: Uncertain significance for Charcot-Marie-Tooth disease type 4. Last evaluated: 2023-05-02. Review status: criteria provided, single submitter. Criteria: Invitae Variant Classification Sherloc (09022015). Collection method: clinical testing. Allele origin: germline.
Comment: This sequence change replaces alanine, which is neutral and non-polar, with valine, which is neutral and non-polar, at codon 805 of the SH3TC2 protein (p.Ala805Val). This variant is not present in population databases (gnomAD no frequency). This variant has not been reported in the literature in individuals affected with SH3TC2-related conditions. ClinVar contains an entry for this variant (Variation ID: 2186822). Advanced modeling of protein sequence and biophysical properties (such as structural, functional, and spatial information, amino acid conservation, physicochemical variation, residue mobility, and thermodynamic stability) performed at Invitae indicates that this missense variant is not expected to disrupt SH3TC2 protein function. In summary, the available evidence is currently insufficient to determine the role of this variant in disease. Therefore, it has been classified as a Variant of Uncertain Significance.